The following is an entry in ClinVar:

NM_152424.4(AMER1):c.659C>G (p.Thr220Ser)

Gene: AMER1 (APC membrane recruitment protein 1; minus strand). Cytogenetic location: Xq11.2.
Variant type: single nucleotide variant.
Coding change: c.659C>G on transcript NM_152424.4 (MANE Select); coding-DNA position 659, C replaced by G.
Protein change: p.Thr220Ser; replaces threonine 220 with serine.
Molecular consequence: missense variant.
Genome position (GRCh38, 1-based): chrX:64,192,628, G>C on the plus strand (C>G on the coding strand, the complement: AMER1 is on the minus strand). VCF-style: chrX-64192628-G-C. GRCh37 (hg19) VCF-style: chrX-63412508-G-C.
Other names: short protein forms T220S.
Identifiers: ClinVar variation 2125507 (VCV002125507.4), dbSNP rs202069335, ClinGen allele CA10432441.

ClinVar aggregate classification (germline): Uncertain significance (1 of 4 stars; one submission).

gnomAD v4.1: 2 of 1,173,002 alleles (0.00017%); highest among the groups gnomAD compares: Middle Eastern, 0.024%; no homozygotes.

Submission:

Labcorp Genetics (formerly Invitae), Labcorp
Classification: Uncertain significance. Last evaluated: 2024-03-04. Review status: criteria provided, single submitter. Criteria: Invitae Variant Classification Sherloc (09022015). Collection method: clinical testing. Allele origin: germline.
Comment: This sequence change replaces threonine, which is neutral and polar, with serine, which is neutral and polar, at codon 220 of the AMER1 protein (p.Thr220Ser). This variant is present in population databases (rs202069335, gnomAD 0.009%), including at least one homozygous and/or hemizygous individual. This variant has not been reported in the literature in individuals affected with AMER1-related conditions. ClinVar contains an entry for this variant (Variation ID: 2125507). Algorithms developed to predict the effect of missense changes on protein structure and function output the following: SIFT: "Not Available"; PolyPhen-2: "Benign"; Align-GVGD: "Not Available". The serine amino acid residue is found in multiple mammalian species, which suggests that this missense change does not adversely affect protein function. In summary, the available evidence is currently insufficient to determine the role of this variant in disease. Therefore, it has been classified as a Variant of Uncertain Significance.